The following is an entry in ClinVar:

ClinVar aggregate classification (germline): Uncertain significance (1 of 4 stars; one submission).

Conditions:
Glycogen storage disease. Also called: Disorder of glycogen metabolism; glycogen storage disorder. Identifiers: Orphanet 79201, MedGen C0017919, MONDO:0002412.

Submission:

Genetics Laboratory, Great Ormond Street Hospital NHS Foundation Trust, North Thames Genomic Laboratory Hub
Classification: Uncertain significance for Glycogen storage disease. Last evaluated: 2026-05-07. Review status: criteria provided, single submitter. Criteria: ACGS Best Practice Guidelines for Variant Classification in Rare Disease 2024 v1.2. Collection method: clinical testing. Allele origin: germline. Affected: yes.
Comment: PM2_moderate, PP3_supporting, PP4_supporting

NM_000292.3(PHKA2):c.555G>T (p.Glu185Asp)

Gene: PHKA2 (phosphorylase kinase regulatory subunit alpha 2; minus strand). Cytogenetic location: Xp22.13.
Variant type: single nucleotide variant.
Coding change: c.555G>T on transcript NM_000292.3 (MANE Select); coding-DNA position 555, G replaced by T.
Protein change: p.Glu185Asp; replaces glutamic acid 185 with aspartic acid.
Molecular consequence: missense variant.
Genome position (GRCh38, 1-based): chrX:18,945,141, C>A on the plus strand (G>T on the coding strand, the complement: PHKA2 is on the minus strand). VCF-style: chrX-18945141-C-A. GRCh37 (hg19) VCF-style: chrX-18963259-C-A.
Other names: c.555G>T, p.Glu185Asp (NM_001440800.1, NM_001440801.1, NM_001440802.1 and 3 more transcripts); short protein forms E185D.
Identifiers: ClinVar variation 4857478 (VCV004857478.1).
Genomic context (GRCh38, chrX:18,945,141, plus strand): 5'-GGCCATTCCTACGGAGCTTGCATTCAATTCCGGGATGCCCTGATTAGTCTTATCTCCACG[C>A]TCCCACATTCCATAATCCTGGGGGAGAAAAAGGTGGGAATCAGAGGGGAGAAAGAGGTAT-3'
Protein context (NP_000283.1, residues 175-195): AYKVADYGMW[Glu185Asp]RGDKTNQGIP